The following is an entry in ClinVar:

NM_015046.7(SETX):c.1010+4_1010+7dup

Gene: SETX (senataxin; minus strand). Cytogenetic location: 9q34.13.
Variant type: Duplication.
Coding change: c.1010+4_1010+7dup on transcript NM_015046.7 (MANE Select); bases 4 to 7 of the intron after coding-DNA position 1010, 4 bases duplicated (AGTT; older notation c.1010+4_1010+7dupAGTT).
Molecular consequence: splice donor variant.
Genome position (GRCh38, 1-based): chr9:132,331,270-132,331,273, AACT duplicated on the plus strand (AGTT on the coding strand, the reverse complement: SETX is on the minus strand); duplicating any 4 consecutive bases within chr9:132,331,270-132,331,276 gives the same sequence; the c. name uses the placement nearest the transcript's 3' end. VCF-style (leftmost placement, unchanged base first): chr9-132331269-G-GAACT. GRCh37 (hg19) VCF-style: chr9-135206656-G-GAACT.
Other names: c.1010+4_1010+7dup (NM_001351528.2, NM_001351527.2); c.1010+4_1010+7dupAGTT (NM_015046.5).
Identifiers: ClinVar variation 1643807 (VCV001643807.11), dbSNP rs1222378139, ClinGen allele CA590947288.

ClinVar aggregate classification (germline): Likely benign. Review status: criteria provided, multiple submitters, no conflicts (2 of 4 stars). 3 submissions from 3 submitters: Likely benign (2). 1 of the submissions does not count toward it. Last evaluated 2023-03-31.

Conditions:
SETX-related disorder. Also called: SETX-related disorders; SETX-related condition. Identifiers: MedGen CN239403.
Amyotrophic lateral sclerosis type 4 (ALS4). Also called: AMYOTROPHIC LATERAL SCLEROSIS 4, JUVENILE; NEURONOPATHY, DISTAL HEREDITARY MOTOR, WITH PYRAMIDAL FEATURES. Identifiers: Orphanet 357043, MedGen C1865409, MONDO:0011223, OMIM 602433.
Spinocerebellar ataxia, autosomal recessive, with axonal neuropathy 2 (SCAN2). Also called: Ataxia-ocular apraxia-2; ATAXIA-OCULOMOTOR APRAXIA 2; Ataxia with Oculomotor Apraxia; Ataxia with Oculomotor Apraxia Type 2. Identifiers: Orphanet 64753, MedGen C1853761, MONDO:0018996, OMIM 606002.

Submissions (3):

Blueprint Genetics
Classification: Likely benign. Last evaluated: 2023-03-31. Review status: criteria provided, single submitter. Criteria: ACMG Guidelines, 2015. Collection method: clinical testing. Allele origin: germline.

Labcorp Genetics (formerly Invitae), Labcorp
Classification: Likely benign for Amyotrophic lateral sclerosis type 4; Spinocerebellar ataxia, autosomal recessive, with axonal neuropathy 2. Last evaluated: 2021-09-21. Review status: criteria provided, single submitter. Criteria: Invitae Variant Classification Sherloc (09022015). Collection method: clinical testing. Allele origin: germline.

PreventionGenetics, part of Exact Sciences
Classification: Likely benign for SETX-related condition. Last evaluated: 2019-09-11. Review status: no assertion criteria provided. Collection method: clinical testing. Allele origin: germline. Not counted in ClinVar's aggregate classification.
Comment: This variant is classified as likely benign based on ACMG/AMP sequence variant interpretation guidelines (Richards et al. 2015 PMID: 25741868, with internal and published modifications).